The following is an entry in ClinVar:

NM_005560.6(LAMA5):c.9792C>T (p.Asn3264=)

Gene: LAMA5 (laminin subunit alpha 5; minus strand). Cytogenetic location: 20q13.33.
Variant type: single nucleotide variant.
Coding change: c.9792C>T on transcript NM_005560.6 (MANE Select); coding-DNA position 9792, C replaced by T.
Protein change: p.Asn3264=; no amino-acid change (asparagine 3264 retained).
Molecular consequence: synonymous variant.
Genome position (GRCh38, 1-based): chr20:62,311,628, G>A on the plus strand (C>T on the coding strand, the complement: LAMA5 is on the minus strand). VCF-style: chr20-62311628-G-A. GRCh37 (hg19) VCF-style: chr20-60886684-G-A.
Identifiers: ClinVar variation 3051570 (VCV003051570.2), dbSNP rs572366378, ClinGen allele CA9940069.
Genomic context (GRCh38, chr20:62,311,628, plus strand): 5'-CGGAAGGCCAGCTGGGACCTTGTCCCCCAGCGCCCACCAGGCTCACCGCTGCACGAAGAC[G>A]TTGCTGATGCAGCCACTGAAGTTGTAAATGGTGCCAGACTCAGGCAGGCCTCCCAGGAGG-3'
Protein context (NP_005551.3, residues 3254-3274): TIYNFSGCIS[Asn3264=]VFVQRLLGPQ

ClinVar aggregate classification (germline): Likely benign (0 of 4 stars; one submission).

Conditions:
LAMA5-related disorder. Also called: LAMA5-Related Disorders; LAMA5-related condition.

Allele frequency attached by ClinVar (database versions not stated): 1000 Genomes Project 0.00060; gnomAD exomes 0.00004; ExAC 0.00008; TOPMed 0.00011; gnomAD 0.00016; 1000 Genomes Project 30x 0.00047.
gnomAD v4.1: 87 of 1,604,840 alleles (0.0054%); highest among the groups gnomAD compares: African/African-American, 0.036%; no homozygotes.

Submission:

PreventionGenetics, part of Exact Sciences
Classification: Likely benign for LAMA5-related condition. Last evaluated: 2020-01-09. Review status: no assertion criteria provided. Collection method: clinical testing. Allele origin: germline.
Comment: This variant is classified as likely benign based on ACMG/AMP sequence variant interpretation guidelines (Richards et al. 2015 PMID: 25741868, with internal and published modifications).